The following is an entry in ClinVar:

ClinVar aggregate classification (germline): Uncertain significance (1 of 4 stars; one submission).

Allele frequency attached by ClinVar (database versions not stated): ExAC 0.00001; gnomAD 0.00001; TOPMed 0.00002; ESP Exome Variant Server 0.00008.
gnomAD v4.1: 1 of 1,606,904 alleles (0.000062%); highest among the groups gnomAD compares: African/African-American, 0.0013%; no homozygotes.

Submission:

GeneDx
Classification: Uncertain significance. Last evaluated: 2023-12-22. Review status: criteria provided, single submitter. Criteria: GeneDx Variant Classification Process June 2021. Collection method: clinical testing. Allele origin: germline.
Comment: Not observed at significant frequency in large population cohorts (gnomAD); In silico analysis supports a deleterious effect on splicing; Has not been previously published as pathogenic or benign to our knowledge

NM_014915.3(ANKRD26):c.532-3C>G

Gene: ANKRD26 (ankyrin repeat domain 26; minus strand). Cytogenetic location: 10p12.1.
Variant type: single nucleotide variant.
Coding change: c.532-3C>G on transcript NM_014915.3 (MANE Select); 3 bases into the intron before coding-DNA position 532, C replaced by G.
Molecular consequence: intron variant.
Genome position (GRCh38, 1-based): chr10:27,092,515, G>C on the plus strand (C>G on the coding strand, the complement: ANKRD26 is on the minus strand). VCF-style: chr10-27092515-G-C. GRCh37 (hg19) VCF-style: chr10-27381444-G-C.
Other names: c.532-3C>G (NM_001256053.2).
Identifiers: ClinVar variation 2662661 (VCV002662661.2), dbSNP rs371388432, ClinGen allele CA5448895.